The following is an entry in ClinVar:

NM_018942.3(HMX1):c.130G>A (p.Asp44Asn)

Gene: HMX1 (H6 family homeobox 1; minus strand). Cytogenetic location: 4p16.1.
Variant type: single nucleotide variant.
Coding change: c.130G>A on transcript NM_018942.3 (MANE Select); coding-DNA position 130, G replaced by A.
Protein change: p.Asp44Asn; replaces aspartic acid 44 with asparagine.
Molecular consequence: missense variant.
Genome position (GRCh38, 1-based): chr4:8,871,485, C>T on the plus strand (G>A on the coding strand, the complement: HMX1 is on the minus strand). VCF-style: chr4-8871485-C-T. GRCh37 (hg19) VCF-style: chr4-8873211-C-T.
Other names: c.130G>A (NM_018942.2); c.130G>A, p.Asp44Asn (NM_001306142.2); short protein forms D44N.
Identifiers: ClinVar variation 1062212 (VCV001062212.10), dbSNP rs1293956564, ClinGen allele CA356279307.
Genomic context (GRCh38, chr4:8,871,485, plus strand): 5'-GTCGCCGCCGCGCCTGCTCGGCGTCCTCGTCTTCGGGGTCGTCGTCGTCCTCCTCCTCGT[C>T]CTCCCGGCTGCCGTCGCCCTGGGTCGCGCGCCCTGCGCCCTTGGCCTCGGCCGCCAGCAG-3'
Protein context (NP_061815.2, residues 34-54): RATQGDGSRE[Asp44Asn]EEEDDDDPED

ClinVar aggregate classification (germline): Uncertain significance. Review status: criteria provided, multiple submitters, no conflicts (2 of 4 stars). 2 submissions from 2 submitters: Uncertain significance (2). Last evaluated 2025-01-22.

Conditions:
Inborn genetic diseases. Identifiers: MedGen C0950123, MeSH D030342.

Allele frequency attached by ClinVar (database versions not stated): TOPMed 0.00001; gnomAD exomes 0.00002.

Submissions (2):

Ambry Genetics
Classification: Uncertain significance for Inborn genetic diseases. Last evaluated: 2025-01-22. Review status: criteria provided, single submitter. Criteria: Ambry Variant Classification Scheme 2023. Collection method: clinical testing. Allele origin: germline.

Labcorp Genetics (formerly Invitae), Labcorp
Classification: Uncertain significance. Last evaluated: 2024-12-12. Review status: criteria provided, single submitter. Criteria: Invitae Variant Classification Sherloc (09022015). Collection method: clinical testing. Allele origin: germline.
Comment: This sequence change replaces aspartic acid, which is acidic and polar, with asparagine, which is neutral and polar, at codon 44 of the HMX1 protein (p.Asp44Asn). This variant is not present in population databases (gnomAD no frequency). This variant has not been reported in the literature in individuals affected with HMX1-related conditions. ClinVar contains an entry for this variant (Variation ID: 1062212). Invitae Evidence Modeling of protein sequence and biophysical properties (such as structural, functional, and spatial information, amino acid conservation, physicochemical variation, residue mobility, and thermodynamic stability) indicates that this missense variant is not expected to disrupt HMX1 protein function with a negative predictive value of 80%. In summary, the available evidence is currently insufficient to determine the role of this variant in disease. Therefore, it has been classified as a Variant of Uncertain Significance.